The following is an entry in ClinVar:

ClinVar aggregate classification (germline): Uncertain significance (1 of 4 stars; one submission).

Conditions:
Thrombomodulin-related bleeding disorder (THPH12). Also called: Thrombophilia due to thrombomodulin defect. Identifiers: Orphanet 436169, MedGen C3280976, MONDO:0013775, OMIM 614486.

Submission:

Genomenon, Inc
Classification: Uncertain significance for Thrombomodulin-related bleeding disorder. Last evaluated: 2025-09-22. Review status: criteria provided, single submitter. Criteria: Genomenon Sequence Variant Interpretation Standards - Updated. Collection method: curation. Allele origin: germline. Affected: no.
Comment: THBD p.Val366Ala (c.1097T>C) is a missense variant that changes the amino acid at residue 366 from Valine to Alanine. This variant has been reported in the published literature (PMID:10801821). It is absent or not present at a significant frequency in gnomAD. In silico models agree that this variant is not damaging. In conclusion, we classify THBD p.Val366Ala (c.1097T>C) as a variant of unknown significance.

Literature cited by the submitters: PubMed 10801821.

NM_000361.3(THBD):c.1097T>C (p.Val366Ala)

Gene: THBD (thrombomodulin; minus strand). Cytogenetic location: 20p11.21.
Variant type: single nucleotide variant.
Coding change: c.1097T>C on transcript NM_000361.3 (MANE Select); coding-DNA position 1097, T replaced by C.
Protein change: p.Val366Ala; replaces valine 366 with alanine.
Molecular consequence: missense variant.
Genome position (GRCh38, 1-based): chr20:23,048,408, A>G on the plus strand (T>C on the coding strand, the complement: THBD is on the minus strand). VCF-style: chr20-23048408-A-G. GRCh37 (hg19) VCF-style: chr20-23029045-A-G.
Other names: short protein forms V366A.
Identifiers: ClinVar variation 4280338 (VCV004280338.1).